The following is an entry in ClinVar:

ClinVar aggregate classification (germline): Uncertain significance (1 of 4 stars; one submission).

Conditions:
Autoimmune lymphoproliferative syndrome type 1. Also called: AUTOIMMUNE LYMPHOPROLIFERATIVE SYNDROME, TYPE I, AUTOSOMAL DOMINANT. Identifiers: Orphanet 3261, MedGen C2717884, MONDO:0011158, OMIM 601859.

Submission:

Labcorp Genetics (formerly Invitae), Labcorp
Classification: Uncertain significance for Autoimmune lymphoproliferative syndrome. Last evaluated: 2025-05-23. Review status: criteria provided, single submitter. Criteria: Invitae Variant Classification Sherloc (09022015). Collection method: clinical testing. Allele origin: germline.
Comment: This sequence change falls in intron 7 of the FAS gene. It does not directly change the encoded amino acid sequence of the FAS protein. This variant is not present in population databases (gnomAD no frequency). This variant has not been reported in the literature in individuals affected with FAS-related conditions. Algorithms developed to predict the effect of sequence changes on RNA splicing suggest that this variant may disrupt the consensus splice site. In summary, the available evidence is currently insufficient to determine the role of this variant in disease. Therefore, it has been classified as a Variant of Uncertain Significance.

NM_000043.6(FAS):c.652-15T>G

Gene: FAS (Fas cell surface death receptor; plus strand). Cytogenetic location: 10q23.31.
Variant type: single nucleotide variant.
Coding change: c.652-15T>G on transcript NM_000043.6 (MANE Select); 15 bases into the intron before coding-DNA position 652, T replaced by G.
Molecular consequence: intron variant.
Genome position (GRCh38, 1-based): chr10:89,013,328, T>G. VCF-style: chr10-89013328-T-G. GRCh37 (hg19) VCF-style: chr10-90773085-T-G.
Other names: c.652-791T>G (NM_152872.4); c.569-15T>G (NM_001320619.2); c.589-15T>G (NM_152871.4); c.697-15T>G (NM_001410956.1).
Identifiers: ClinVar variation 4720127 (VCV004720127.1).
Genomic context (GRCh38, chr10:89,013,328, plus strand): 5'-TAGAAGTTCACATTTAGAATATTCTAAAGATATATTTTTATTTGTCTTTCTCTGCTTCCA[T>G]TTTTTGCTTTCTAGGAAACAGTGGCAATAAATTTATCTGGTAAGGCTTTTATCATTTTAT-3'